The following is an entry in ClinVar:

ClinVar aggregate classification (germline): Uncertain significance. Review status: criteria provided, multiple submitters, no conflicts (2 of 4 stars). 2 submissions from 2 submitters: Uncertain significance (2). Last evaluated 2025-03-13.

Conditions:
Dyskeratosis congenita. Identifiers: Orphanet 1775, MedGen C0265965, MONDO:0015780.
Idiopathic Pulmonary Fibrosis. Also called: Idiopathic fibrosing alveolitis, chronic form; idiopathic fibrosing alveolitis. Identifiers: Orphanet 2032, MedGen C1800706, MeSH D054990, MONDO:0800504.
Dyskeratosis congenita, autosomal dominant 2. Identifiers: MedGen C3151443, MONDO:0013521, OMIM 613989.

gnomAD v4.1: 2 of 1,562,232 alleles (0.00013%); highest among the groups gnomAD compares: Non-Finnish European, 0.00017%; no homozygotes.

Submissions (2):

Labcorp Genetics (formerly Invitae), Labcorp
Classification: Uncertain significance for Dyskeratosis congenita, autosomal dominant 2; Idiopathic Pulmonary Fibrosis. Last evaluated: 2025-03-13. Review status: criteria provided, single submitter. Criteria: Invitae Variant Classification Sherloc (09022015). Collection method: clinical testing. Allele origin: germline.
Comment: This sequence change replaces proline, which is neutral and non-polar, with threonine, which is neutral and polar, at codon 380 of the TERT protein (p.Pro380Thr). This variant is not present in population databases (gnomAD no frequency). This variant has not been reported in the literature in individuals affected with TERT-related conditions. ClinVar contains an entry for this variant (Variation ID: 952384). Invitae Evidence Modeling of protein sequence and biophysical properties (such as structural, functional, and spatial information, amino acid conservation, physicochemical variation, residue mobility, and thermodynamic stability) indicates that this missense variant is not expected to disrupt TERT protein function with a negative predictive value of 95%. In summary, the available evidence is currently insufficient to determine the role of this variant in disease. Therefore, it has been classified as a Variant of Uncertain Significance.

Ambry Genetics
Classification: Uncertain significance for Dyskeratosis congenita. Last evaluated: 2022-04-21. Review status: criteria provided, single submitter. Criteria: Ambry Variant Classification Scheme 2023. Collection method: clinical testing. Allele origin: germline.
Comment: The p.P380T variant (also known as c.1138C>A), located in coding exon 2 of the TERT gene, results from a C to A substitution at nucleotide position 1138. The proline at codon 380 is replaced by threonine, an amino acid with highly similar properties. This amino acid position is conserved. In addition, this alteration is predicted to be tolerated by in silico analysis. Since supporting evidence is limited at this time, the clinical significance of this alteration remains unclear.

NM_198253.3(TERT):c.1138C>A (p.Pro380Thr)

Gene: TERT (telomerase reverse transcriptase; minus strand). Cytogenetic location: 5p15.33.
Variant type: single nucleotide variant.
Coding change: c.1138C>A on transcript NM_198253.3 (MANE Select); coding-DNA position 1138, C replaced by A.
Protein change: p.Pro380Thr; replaces proline 380 with threonine.
Molecular consequence: missense variant. On other transcripts: non-coding transcript variant (2).
Genome position (GRCh38, 1-based): chr5:1,293,748, G>T on the plus strand (C>A on the coding strand, the complement: TERT is on the minus strand). VCF-style: chr5-1293748-G-T. GRCh37 (hg19) VCF-style: chr5-1293863-G-T.
Other names: c.1138C>A, p.Pro380Thr (NM_001193376.3); short protein forms P380T.
Identifiers: ClinVar variation 952384 (VCV000952384.12), dbSNP rs144756946, ClinGen allele CA359055315.